The following is an entry in ClinVar:

NM_022098.4(XPNPEP3):c.1363T>C (p.Tyr455His)

Gene: XPNPEP3 (X-prolyl aminopeptidase 3; plus strand). Cytogenetic location: 22q13.2.
Variant type: single nucleotide variant.
Coding change: c.1363T>C on transcript NM_022098.4 (MANE Select); coding-DNA position 1363, T replaced by C.
Protein change: p.Tyr455His; replaces tyrosine 455 with histidine.
Molecular consequence: missense variant.
Genome position (GRCh38, 1-based): chr22:40,926,274, T>C. VCF-style: chr22-40926274-T-C. GRCh37 (hg19) VCF-style: chr22-41322278-T-C.
Other names: short protein forms Y455H.
Identifiers: ClinVar variation 2101875 (VCV002101875.4), dbSNP rs1245615649, ClinGen allele CA411976248.
Genomic context (GRCh38, chr22:40,926,274, plus strand): 5'-AAACCACCCAGTTACTATCATTCCTGAACAGCATGTTCTTCTTTCTACTTCACAGGCATT[T>C]ATATTCCAGAGGATGACAAAGATGCCCCAGAGAAGTTTCGGGGTCTTGGTGTACGAATTG-3'
Protein context (NP_071381.1, residues 445-465): GMVITIEPGI[Tyr455His]IPEDDKDAPE

ClinVar aggregate classification (germline): Uncertain significance (1 of 4 stars; one submission).

Conditions:
Nephronophthisis-like nephropathy 1 (NPHPL1). Identifiers: Orphanet 655, MedGen C3150419, MONDO:0013163, OMIM 613159.

Allele frequency attached by ClinVar (database versions not stated): gnomAD exomes 0.00001.
gnomAD v4.1: 3 of 1,614,166 alleles (0.00019%); highest among the groups gnomAD compares: Non-Finnish European, 0.000085%; no homozygotes.

Submission:

Labcorp Genetics (formerly Invitae), Labcorp
Classification: Uncertain significance for Nephronophthisis-like nephropathy 1. Last evaluated: 2024-10-15. Review status: criteria provided, single submitter. Criteria: Invitae Variant Classification Sherloc (09022015). Collection method: clinical testing. Allele origin: germline.
Comment: This sequence change replaces tyrosine, which is neutral and polar, with histidine, which is basic and polar, at codon 455 of the XPNPEP3 protein (p.Tyr455His). This variant is present in population databases (no rsID available, gnomAD 0.009%). This variant has not been reported in the literature in individuals affected with XPNPEP3-related conditions. ClinVar contains an entry for this variant (Variation ID: 2101875). Invitae Evidence Modeling of protein sequence and biophysical properties (such as structural, functional, and spatial information, amino acid conservation, physicochemical variation, residue mobility, and thermodynamic stability) indicates that this missense variant is expected to disrupt XPNPEP3 protein function with a positive predictive value of 80%. In summary, the available evidence is currently insufficient to determine the role of this variant in disease. Therefore, it has been classified as a Variant of Uncertain Significance.